The following is an entry in ClinVar:

ClinVar aggregate classification (germline): Likely benign (1 of 4 stars; one submission).

Allele frequency attached by ClinVar (database versions not stated): gnomAD exomes 0.00059; gnomAD 0.00613; TOPMed 0.00675; 1000 Genomes Project 0.00779; 1000 Genomes Project 30x 0.00781.
gnomAD v4.1: 1,790 of 1,537,396 alleles (0.12%); highest among the groups gnomAD compares: African/African-American, 2.2%; 17 homozygotes.

Submission:

GeneDx
Classification: Likely benign. Last evaluated: 2021-01-22. Review status: criteria provided, single submitter. Criteria: GeneDx Variant Classification Process June 2021. Collection method: clinical testing. Allele origin: germline. Affected: yes.
Comment: See Variant Classification Assertion Criteria.

NM_001194998.2(CEP152):c.540+74G>A

Gene: CEP152 (centrosomal protein 152; minus strand). Cytogenetic location: 15q21.1.
Variant type: single nucleotide variant.
Coding change: c.540+74G>A on transcript NM_001194998.2 (MANE Select); 74 bases into the intron after coding-DNA position 540, G replaced by A.
Molecular consequence: intron variant.
Genome position (GRCh38, 1-based): chr15:48,797,227, C>T on the plus strand (G>A on the coding strand, the complement: CEP152 is on the minus strand). VCF-style: chr15-48797227-C-T. GRCh37 (hg19) VCF-style: chr15-49089424-C-T.
Other names: c.540+74G>A (NM_014985.4).
Identifiers: ClinVar variation 1707122 (VCV001707122.2), dbSNP rs115111343, ClinGen allele CA269573405.